The following is an entry in ClinVar:

NM_014975.3(MAST1):c.2075A>C (p.Asp692Ala)

Gene: MAST1 (microtubule associated serine/threonine kinase 1; plus strand). Cytogenetic location: 19p13.13.
Variant type: single nucleotide variant.
Coding change: c.2075A>C on transcript NM_014975.3 (MANE Select); coding-DNA position 2075, A replaced by C.
Protein change: p.Asp692Ala; replaces aspartic acid 692 with alanine.
Molecular consequence: missense variant.
Genome position (GRCh38, 1-based): chr19:12,866,698, A>C. VCF-style: chr19-12866698-A-C. GRCh37 (hg19) VCF-style: chr19-12977512-A-C.
Other names: short protein forms D692A.
Identifiers: ClinVar variation 1993452 (VCV001993452.4), dbSNP rs2512538417, ClinGen allele CA404275359.

ClinVar aggregate classification (germline): Uncertain significance (1 of 4 stars; one submission).

Submission:

Labcorp Genetics (formerly Invitae), Labcorp
Classification: Uncertain significance. Last evaluated: 2024-05-15. Review status: criteria provided, single submitter. Criteria: Invitae Variant Classification Sherloc (09022015). Collection method: clinical testing. Allele origin: germline.
Comment: This sequence change replaces aspartic acid, which is acidic and polar, with alanine, which is neutral and non-polar, at codon 692 of the MAST1 protein (p.Asp692Ala). This variant is not present in population databases (gnomAD no frequency). This variant has not been reported in the literature in individuals affected with MAST1-related conditions. ClinVar contains an entry for this variant (Variation ID: 1993452). An algorithm developed to predict the effect of missense changes on protein structure and function (PolyPhen-2) suggests that this variant is likely to be tolerated. In summary, the available evidence is currently insufficient to determine the role of this variant in disease. Therefore, it has been classified as a Variant of Uncertain Significance.